The following is an entry in ClinVar:

ClinVar aggregate classification (germline): Likely pathogenic (1 of 4 stars; one submission).

Conditions:
DICER1-related tumor predisposition. Also called: DICER1-related pleuropulmonary blastoma cancer predisposition syndrome; DICER1 syndrome. Identifiers: Orphanet 284343, MedGen C3839822, MONDO:0100216.

Submission:

Institute for Genomic Medicine (IGM) Clinical Laboratory, Nationwide Children's Hospital
Classification: Likely pathogenic for DICER1-related tumor predisposition. Last evaluated: 2025-06-18. Review status: criteria provided, single submitter. Criteria: ACMG Guidelines, 2015. Collection method: clinical testing. Allele origin: germline.
Comment: This variant is predicted to result in loss of function through nonsense-mediated decay of the encoded transcript or premature truncation of the encoded protein in a gene in which loss of function is a known mechanism of disease (ACMG/AMP: PVS1; PMIDs:26925222, 31342592). This variant is absent from or present at an exceedingly low frequency in gnomAD, a large-scale control population database (ACMG/AMP: PM2).

Literature cited by the submitters: PubMed 26925222; PubMed 31342592.

NM_177438.3(DICER1):c.1571del (p.Glu524fs)

Gene: DICER1 (dicer 1, ribonuclease III; minus strand). Cytogenetic location: 14q32.13.
Variant type: Deletion.
Coding change: c.1571del on transcript NM_177438.3 (MANE Select); coding-DNA position 1571, one base deleted (A; older notation c.1571delA).
Protein change: p.Glu524fs; shifts the reading frame from glutamic acid 524.
Molecular consequence: frameshift variant. On other transcripts: non-coding transcript variant (6), intron variant (1).
Genome position (GRCh38, 1-based): chr14:95,116,634, T deleted on the plus strand (A on the coding strand, the reverse complement: DICER1 is on the minus strand). VCF-style (leftmost placement, unchanged base first): chr14-95116633-CT-C. GRCh37 (hg19) VCF-style: chr14-95582970-CT-C.
Other names: c.1571del, p.Glu524fs (NM_001195573.1, NM_001271282.3, NM_001291628.2 and 12 more transcripts); c.1289del, p.Glu430fs (NM_001395686.1); c.1166del, p.Glu389fs (NM_001395687.1, NM_001395688.1, NM_001395689.1 and 3 more transcripts); c.1004del, p.Glu335fs (NM_001395691.1); c.-59-54del (NM_001395697.1); short protein forms E335fs, E389fs, E430fs, E524fs.
Identifiers: ClinVar variation 4759280 (VCV004759280.1).
Genomic context (GRCh38, chr14:95,116,633, plus strand): 5'-TCGATATTCTGTGGGCAAATCAAAACGAACCACCAAGTTGCATTTTGGTATATCAACACC[CT>C]CTTCTACAATACTTGTTGCAATAAGCAGGTTGGTCTCATGTGCTCGAAATTTCCTAAGTA-3'